The following is an entry in ClinVar:

ClinVar aggregate classification (germline): Uncertain significance (1 of 4 stars; one submission).

Allele frequency attached by ClinVar (database versions not stated): gnomAD exomes below 0.00001.
gnomAD v4.1: 2 of 1,421,802 alleles (0.00014%); highest among the groups gnomAD compares: Non-Finnish European, 0.00018%; no homozygotes.

Submission:

Labcorp Genetics (formerly Invitae), Labcorp
Classification: Uncertain significance. Last evaluated: 2024-09-23. Review status: criteria provided, single submitter. Criteria: Invitae Variant Classification Sherloc (09022015). Collection method: clinical testing. Allele origin: germline.
Comment: This sequence change replaces proline, which is neutral and non-polar, with serine, which is neutral and polar, at codon 1317 of the NOTCH3 protein (p.Pro1317Ser). This variant is not present in population databases (gnomAD no frequency). This variant has not been reported in the literature in individuals affected with NOTCH3-related conditions. ClinVar contains an entry for this variant (Variation ID: 1401748). Invitae Evidence Modeling of protein sequence and biophysical properties (such as structural, functional, and spatial information, amino acid conservation, physicochemical variation, residue mobility, and thermodynamic stability) indicates that this missense variant is not expected to disrupt NOTCH3 protein function with a negative predictive value of 95%. In summary, the available evidence is currently insufficient to determine the role of this variant in disease. Therefore, it has been classified as a Variant of Uncertain Significance.

NM_000435.3(NOTCH3):c.3949C>T (p.Pro1317Ser)

Gene: NOTCH3 (notch receptor 3; minus strand). Cytogenetic location: 19p13.12.
Variant type: single nucleotide variant.
Coding change: c.3949C>T on transcript NM_000435.3 (MANE Select); coding-DNA position 3949, C replaced by T.
Protein change: p.Pro1317Ser; replaces proline 1317 with serine.
Molecular consequence: missense variant.
Genome position (GRCh38, 1-based): chr19:15,177,979, G>A on the plus strand (C>T on the coding strand, the complement: NOTCH3 is on the minus strand). VCF-style: chr19-15177979-G-A. GRCh37 (hg19) VCF-style: chr19-15288790-G-A.
Other names: short protein forms P1317S.
Identifiers: ClinVar variation 1401748 (VCV001401748.6), dbSNP rs1481252730, ClinGen allele CA404505965.